The following is an entry in ClinVar:

NM_001127222.2(CACNA1A):c.3174C>G (p.Asp1058Glu)

Gene: CACNA1A (calcium voltage-gated channel subunit alpha1 A; minus strand). Cytogenetic location: 19p13.13.
Variant type: single nucleotide variant.
Coding change: c.3174C>G on transcript NM_001127222.2 (MANE Select); coding-DNA position 3174, C replaced by G.
Protein change: p.Asp1058Glu; replaces aspartic acid 1058 with glutamic acid.
Molecular consequence: missense variant.
Genome position (GRCh38, 1-based): chr19:13,286,882, G>C on the plus strand (C>G on the coding strand, the complement: CACNA1A is on the minus strand). VCF-style: chr19-13286882-G-C. GRCh37 (hg19) VCF-style: chr19-13397696-G-C.
Other names: c.3186C>G, p.Asp1062Glu (NM_000068.4, NM_023035.3); c.3177C>G, p.Asp1059Glu (NM_001127221.2, NM_001174080.2); short protein forms D1059E, D1058E, D1062E.
Identifiers: ClinVar variation 1728490 (VCV001728490.7), dbSNP rs752075131, ClinGen allele CA9240396.

ClinVar aggregate classification (germline): Conflicting classifications of pathogenicity. Review status: criteria provided, conflicting classifications (1 of 4 stars). 2 submissions from 2 submitters: Uncertain significance (1); Likely benign (1). Last evaluated 2024-04-24.

Conditions:
Inborn genetic diseases. Identifiers: MedGen C0950123, MeSH D030342.
Developmental and epileptic encephalopathy, 42 (DEE42A). Also called: DEVELOPMENTAL AND EPILEPTIC ENCEPHALOPATHY 42A; EPILEPTIC ENCEPHALOPATHY, EARLY INFANTILE, 42A; Epileptic encephalopathy, early infantile, 42. Identifiers: MedGen C4310716, MONDO:0014917, OMIM 617106.
Episodic ataxia type 2 (EA2). Also called: ACETAZOLAMIDE-RESPONSIVE HEREDITARY PAROXYSMAL CEREBELLAR ATAXIA; CEREBELLAR ATAXIA, PAROXYSMAL, ACETAZOLAMIDE-RESPONSIVE; CEREBELLOPATHY, HEREDITARY PAROXYSMAL; EPISODIC ATAXIA, NYSTAGMUS-ASSOCIATED; ATAXIA, EPISODIC, WITH NYSTAGMUS; ATAXIA, FAMILIAL PAROXYSMAL. Identifiers: Orphanet 97, MedGen C1720416, MONDO:0007163, OMIM 108500.

Allele frequency attached by ClinVar (database versions not stated): ExAC 0.00001; gnomAD 0.00001; TOPMed 0.00001.
gnomAD v4.1: 1 of 1,613,520 alleles (0.000062%); highest among the groups gnomAD compares: Admixed American, 0.0017%; no homozygotes.

Submissions (2):

Labcorp Genetics (formerly Invitae), Labcorp
Classification: Likely benign for Developmental and epileptic encephalopathy, 42; Episodic ataxia type 2. Last evaluated: 2024-04-24. Review status: criteria provided, single submitter. Criteria: Invitae Variant Classification Sherloc (09022015). Collection method: clinical testing. Allele origin: germline.

Ambry Genetics
Classification: Uncertain significance for Inborn genetic diseases. Last evaluated: 2018-01-26. Review status: criteria provided, single submitter. Criteria: Ambry Variant Classification Scheme 2023. Collection method: clinical testing. Allele origin: germline.
Comment: The p.D1059E variant (also known as c.3177C>G), located in coding exon 20 of the CACNA1A gene, results from a C to G substitution at nucleotide position 3177. The aspartic acid at codon 1059 is replaced by glutamic acid, an amino acid with highly similar properties. This amino acid position is not well conserved in available vertebrate species. In addition, this alteration is predicted to be tolerated by in silico analysis. Since supporting evidence is limited at this time, the clinical significance of this alteration remains unclear.